The following is an entry in ClinVar:

ClinVar aggregate classification (germline): Conflicting classifications of pathogenicity. Review status: criteria provided, conflicting classifications (1 of 4 stars). 3 submissions from 3 submitters: Uncertain significance (2); Likely benign (1). Last evaluated 2024-06-14.

Conditions:
Hereditary cancer-predisposing syndrome. Also called: Hereditary Cancer Syndrome; Hereditary neoplastic syndrome; Neoplastic Syndromes, Hereditary; Tumor predisposition. Identifiers: Orphanet 140162, MedGen C0027672, MeSH D009386, MONDO:0015356.
Familial cancer of breast. Also called: Hereditary breast cancer; hereditary breast carcinoma; BREAST CANCER, FAMILIAL. Identifiers: Orphanet 227535, MedGen C0346153, MONDO:0016419, OMIM 114480. Disease mechanism: loss of function.
Breast-ovarian cancer, familial, susceptibility to, 2 (BROVCA2). Also called: BRCA2 Hereditary Breast and Ovarian Cancer. Identifiers: Orphanet 145, MedGen C2675520, MONDO:0012933, OMIM 612555. Disease mechanism: loss of function.
Medulloblastoma (MDB). Also called: MEDULLOBLASTOMA PREDISPOSITION SYNDROME; Medulloblastoma, somatic. Identifiers: Orphanet 616, MedGen C0025149, MeSH D008527, MONDO:0007959, OMIM 155255, HP:0002885.
Wilms tumor 1 (WT1). Also called: Wilms tumor, somatic. Identifiers: Orphanet 654, MedGen CN033288, MONDO:0008679, OMIM 194070.
Fanconi anemia complementation group D1. Also called: BRCA2-Related Fanconi Anemia. Identifiers: Orphanet 319462, MedGen C1838457, MONDO:0011584, OMIM 605724.
Pancreatic cancer, susceptibility to, 2. Identifiers: Orphanet 1333, MedGen C3150546, MONDO:0013235, OMIM 613347.
Glioma susceptibility 3 (GLM3). Also called: Glioblastoma 3. Identifiers: Orphanet 182067, Orphanet 360, MedGen C2751641, MONDO:0013093, OMIM 613029.
Familial prostate cancer. Also called: Hereditary Prostate Cancer. Identifiers: MedGen C2931456, MONDO:0700275, OMIM 176807.

Submissions (3):

Fulgent Genetics
Classification: Uncertain significance for Familial cancer of breast; Medulloblastoma; Familial prostate cancer; Wilms tumor 1; Fanconi anemia complementation group D1; Breast-ovarian cancer, familial, susceptibility to, 2; Glioma susceptibility 3; Pancreatic cancer, susceptibility to, 2. Last evaluated: 2024-06-14. Review status: criteria provided, single submitter. Criteria: ACMG Guidelines, 2015. Collection method: clinical testing. Allele origin: germline.

University of Washington Department of Laboratory Medicine, University of Washington
Classification: Likely benign for Hereditary cancer-predisposing syndrome. Last evaluated: 2023-03-23. Review status: criteria provided, single submitter. Criteria: Dines et al. (Genet Med. 2020). Collection method: curation. Allele origin: germline.
Comment: Missense variant in a coldspot region where missense variants are very unlikely to be pathogenic (PMID:31911673).

BRCA2 exon 11 coldspot. Reclassification based on statistical prior probability.

Ambry Genetics
Classification: Uncertain significance for Hereditary cancer-predisposing syndrome. Last evaluated: 2022-10-22. Review status: criteria provided, single submitter. Criteria: Ambry Variant Classification Scheme 2023. Collection method: clinical testing. Allele origin: germline.
Comment: The p.T874A variant (also known as c.2620A>G), located in coding exon 10 of the BRCA2 gene, results from an A to G substitution at nucleotide position 2620. The threonine at codon 874 is replaced by alanine, an amino acid with similar properties. This amino acid position is not well conserved in available vertebrate species. In addition, this alteration is predicted to be tolerated by in silico analysis. Since supporting evidence is limited at this time, the clinical significance of this alteration remains unclear.

NM_000059.4(BRCA2):c.2620A>G (p.Thr874Ala)

Gene: BRCA2 (BRCA2 DNA repair associated; plus strand). Cytogenetic location: 13q13.1.
Variant type: single nucleotide variant.
Coding change: c.2620A>G on transcript NM_000059.4 (MANE Select); coding-DNA position 2620, A replaced by G.
Protein change: p.Thr874Ala; replaces threonine 874 with alanine.
Molecular consequence: missense variant.
Genome position (GRCh38, 1-based): chr13:32,336,975, A>G. VCF-style: chr13-32336975-A-G. GRCh37 (hg19) VCF-style: chr13-32911112-A-G.
Other names: short protein forms T874A.
Identifiers: ClinVar variation 821583 (VCV000821583.7), dbSNP rs1593897363, ClinGen allele CA387773193.